The following is an entry in ClinVar:

NM_006196.4(PCBP1):c.907A>G (p.Asn303Asp)

Genes: PCBP1 (poly(rC) binding protein 1; plus strand), LOC106783504 (conserved acetylation island sequence C15 enhancer; plus strand). Cytogenetic location: 2p13.3.
Variant type: single nucleotide variant.
Coding change: c.907A>G on transcript NM_006196.4 (MANE Select); coding-DNA position 907, A replaced by G.
Protein change: p.Asn303Asp; replaces asparagine 303 with aspartic acid.
Molecular consequence: missense variant.
Genome position (GRCh38, 1-based): chr2:70,088,650, A>G. VCF-style: chr2-70088650-A-G. GRCh37 (hg19) VCF-style: chr2-70315782-A-G.
Other names: short protein forms N303D.
Identifiers: ClinVar variation 4852563 (VCV004852563.1).

ClinVar aggregate classification (germline): Likely pathogenic (1 of 4 stars; one submission).

Conditions:
Neurodevelopmental disorder. Identifiers: MedGen C1535926, MeSH D065886, MONDO:0700092.

Submission:

Laboratory of Molecular Genetics (Pr. Bezieau's lab), CHU de Nantes
Classification: Likely pathogenic for Neurodevelopmental disorder. Last evaluated: 2026-05-27. Review status: criteria provided, single submitter. Criteria: ACMG Guidelines, 2015. Collection method: clinical testing. Allele origin: de novo. Inheritance: Autosomal dominant inheritance. Affected: yes. Observed: 1 variant allele, 1 heterozygote.
Comment: ACMG criteria: PS2, PM1, PM2, PP2. Protein change: p.(Asn303Asp).